The following is an entry in ClinVar:

ClinVar aggregate classification (germline): Uncertain significance (1 of 4 stars; one submission).

Conditions:
Combined immunodeficiency due to DOCK8 deficiency (HIES2). Also called: HIES autosomal recessive; HYPER-IgE SYNDROME 2, AUTOSOMAL RECESSIVE, WITH RECURRENT INFECTIONS; DOCK8 Deficiency; Hyper-IgE recurrent infection syndrome, autosomal recessive; HYPER-IgE RECURRENT INFECTION SYNDROME 2, AUTOSOMAL RECESSIVE. Identifiers: Orphanet 217390, MedGen C4722305, MONDO:0009478, OMIM 243700.

Allele frequency attached by ClinVar (database versions not stated): gnomAD exomes 0.00001.
gnomAD v4.1: 11 of 1,614,224 alleles (0.00068%); highest among the groups gnomAD compares: Non-Finnish European, 0.00085%; no homozygotes.

Submission:

Labcorp Genetics (formerly Invitae), Labcorp
Classification: Uncertain significance for Combined immunodeficiency due to DOCK8 deficiency. Last evaluated: 2025-11-22. Review status: criteria provided, single submitter. Criteria: Invitae Variant Classification Sherloc (09022015). Collection method: clinical testing. Allele origin: germline.
Comment: This sequence change replaces aspartic acid, which is acidic and polar, with valine, which is neutral and non-polar, at codon 1236 of the DOCK8 protein (p.Asp1236Val). This variant is not present in population databases (gnomAD no frequency). This variant has not been reported in the literature in individuals affected with DOCK8-related conditions. ClinVar contains an entry for this variant (Variation ID: 935218). Invitae Evidence Modeling of protein sequence and biophysical properties (such as structural, functional, and spatial information, amino acid conservation, physicochemical variation, residue mobility, and thermodynamic stability) indicates that this missense variant is not expected to disrupt DOCK8 protein function with a negative predictive value of 80%. In summary, the available evidence is currently insufficient to determine the role of this variant in disease. Therefore, it has been classified as a Variant of Uncertain Significance.

NM_203447.4(DOCK8):c.3707A>T (p.Asp1236Val)

Gene: DOCK8 (dedicator of cytokinesis 8; plus strand). Cytogenetic location: 9p24.3.
Variant type: single nucleotide variant.
Coding change: c.3707A>T on transcript NM_203447.4 (MANE Select); coding-DNA position 3707, A replaced by T.
Protein change: p.Asp1236Val; replaces aspartic acid 1236 with valine.
Molecular consequence: missense variant.
Genome position (GRCh38, 1-based): chr9:418,074, A>T. VCF-style: chr9-418074-A-T. GRCh37 (hg19) VCF-style: chr9-418074-A-T.
Other names: c.3407A>T, p.Asp1136Val (NM_001190458.2); c.3503A>T, p.Asp1168Val (NM_001193536.2); short protein forms D1136V, D1168V, D1236V.
Identifiers: ClinVar variation 935218 (VCV000935218.10), dbSNP rs2056106762, ClinGen allele CA372761940.